The following continues an entry in ClinVar:

NM_001048174.2(MUTYH):c.566G>A (p.Arg189His)

Gene: MUTYH. ClinVar aggregate classification (germline): Conflicting classifications of pathogenicity. Uncertain significance (12); Likely benign (1). ClinVar aggregate classification (oncogenicity): Uncertain significance.

Submissions 9 to 16 of 16:

Women's Health and Genetics/Laboratory Corporation of America, LabCorp
Classification: Uncertain significance. Last evaluated: 2022-12-19. Review status: criteria provided, single submitter. Criteria: LabCorp Variant Classification Summary - May 2015. Collection method: clinical testing. Allele origin: germline.
Comment: Variant summary: MUTYH c.650G>A (p.Arg217His) results in a non-conservative amino acid change located in the HhH-GPD domain (IPR003265) of the encoded protein sequence. Four of five in-silico tools predict a damaging effect of the variant on protein function. The variant allele was found at a frequency of 3.9e-05 in 282760 control chromosomes (gnomAD). This frequency is not significantly higher than expected for a pathogenic variant in MUTYH causing MUTYH-Associated Polyposis (3.9e-05 vs 0.0046), allowing no conclusion about variant significance. c.650G>A has been reported in the literature in at least one compound heterozygous individual affected with MUTYH-Associated Polyposis (Thomas_2021). It has also been observed in individuals with colorectal adenomas (e.g. Olschwang_2007 and Schulz_2014) and breast cancer (e.g. Dorling_2021, Pereira_2022, Guindalini_2022). To our knowledge, no experimental evidence demonstrating an impact on protein function has been reported. Eight ClinVar submitters have assessed the variant since 2014: all submitters classified the variant as uncertain significance. Based on the evidence outlined above, the variant was classified as uncertain significance.

Sema4
Classification: Uncertain significance for Hereditary cancer-predisposing syndrome. Last evaluated: 2021-12-07. Review status: criteria provided, single submitter. Criteria: Sema4 Curation Guidelines. Collection method: curation. Allele origin: germline.
Comment: The MUTYH c.650G>A (p.R217H) variant has been reported in individuals with colorectal adenomas and MUTYH-associated polyposis (PMID: 17949294, 33130102). However, in a family with familial colorectal cancer type X the variant did not segregate with the disease (PMID: 25307848). The variant was also reported in a large case-control study in 5/60466 breast cancer cases and in 8/53461 controls (PMID: 33471991). It was observed in 3/24934 chromosomes of the African/African American subpopulation in the large and broad cohorts of the Genome Aggregation Database (PMID: 32461654). The variant has been reported in ClinVar (Variation ID: 140830). In silico tools suggest the impact of the variant on protein function is deleterious though these predictions have not been confirmed by functional studies. The evidence is insufficient to meet ACMG/AMP criteria for classifying the variant as benign or pathogenic. Thus, the clinical significance of this variant is currently uncertain.

Genetic Services Laboratory, University of Chicago
Classification: Uncertain significance. Last evaluated: 2021-11-23. Review status: criteria provided, single submitter. Criteria: ACMG Guidelines, 2015. Collection method: clinical testing. Allele origin: germline. Affected: no.
Comment: DNA sequence analysis of the MUTYH gene demonstrated a sequence change, c.650G>A, in exon 8 that results in an amino acid change, p.Arg217His. This sequence change has been described in the gnomAD database with a frequency of 0.012% in the African/African American subpopulation (dbSNP rs147754007). The p.Arg217His change affects a highly conserved amino acid residue located in a domain of the MUTYH protein that is known to be functional. In-silico pathogenicity prediction tools (SIFT, PolyPhen2, Align GVGD, REVEL) provide contradictory results for the p.Arg217His substitution. This sequence change does not appear to have been previously described in individuals with MUTYH-related disorders. Due to insufficient evidences and the lack of functional studies, the clinical significance of the p.Arg217His change remains unknown at this time. ;

GeneDx
Classification: Uncertain significance. Last evaluated: 2021-10-26. Review status: criteria provided, single submitter. Criteria: GeneDx Variant Classification Process June 2021. Collection method: clinical testing. Allele origin: germline. Affected: yes.
Comment: Observed in individuals with adenomatous polyps, colorectal cancer, and other cancers (Olschwang 2007, Schulz 2014, Schrader 2016); Not observed at significant frequency in large population cohorts (Lek 2016); In silico analysis supports that this missense variant has a deleterious effect on protein structure/function; Also known as c.608G>A (p.Arg203His); This variant is associated with the following publications: (PMID: 17949294, 25307848, 26556299, 28873162)

Department of Pathology and Laboratory Medicine, Sinai Health System
Classification: Uncertain significance for Familial adenomatous polyposis 2. Last evaluated: 2019-04-01. Review status: criteria provided, single submitter. Criteria: ACMG Guidelines, 2015. Collection method: research. Allele origin: germline.

Mendelics
Classification: Uncertain significance for MYH-associated polyposis. Last evaluated: 2018-07-02. Review status: criteria provided, single submitter. Criteria: Mendelics Assertion Criteria 2017. Collection method: clinical testing. Allele origin: unknown.

Counsyl
Classification: Uncertain significance for Familial adenomatous polyposis 2. Last evaluated: 2015-12-08. Review status: no assertion criteria provided. Collection method: clinical testing. Allele origin: unknown. Not counted in ClinVar's aggregate classification.

Department of Pathology and Laboratory Medicine, Sinai Health System
Classification: Uncertain significance for Carcinoma of colon. Review status: no assertion criteria provided. Collection method: clinical testing. Allele origin: unknown. Affected: yes. Study: The Canadian Open Genetics Repository (COGR). Not counted in ClinVar's aggregate classification.
Comment: The MUTYH p.Arg217His variant was identified in APC-negative patients with more than 5 colorectal adenomas; the frequency of the variant in this cohort, zygosity and disease severity were not provided from this cohort (Olschwang 2007). It was also identified in a large Austrian kindred with Familial colorectal cancer type X (FCCTX), being studied for novel candidate gene mutations; but was excluded as the cause of neoplasms in this family due to non-segregation amongst family members (Schulz 2014). The variant was also identified in dbSNP (ID: rs147754007) as â€šÃ„ÃºWith Uncertain significance alleleâ€šÃ„Ã¹, Clinvitae database (classification uncertain significance), ClinVar database (classification uncertain significance by Ambry Genetics), UMD (2x with a â€šÃ„Ã¹unclassified variantâ€šÃ„Ã¹ classification), NHLBI GO Exome Sequencing Project in 1 of 8600 European American alleles (frequency: 0.0001) and in 1 of 4406 African American alleles (frequency: 0.0002), and the Exome Aggregation Consortium database (March 14, 2016) in 5 of 121252 chromosomes (freq. 0.00004) in the following populations: Latino in 1 of 11572 chromosomes (freq. 00009), South Asian in 1 of 16512 chromosomes (freq. 0.00006), European (Non-Finnish) in 3 of 66638 chromosomes (freq. 0.00005), but was not seen in African, East Asian, Finnish, and Other populations, increasing the likelihood this could be a low frequency benign variant. The p.Arg217 residue is conserved across mammals and lower organisms, and three out of four computational analyses (PolyPhen-2, SIFT, AlignGVGD, MutationTaster) suggest that the His variant may impact the protein; however, this information is not predictive enough to assume pathogenicity. The variant occurs outside of the splicing consensus sequence and 1 of 5 in silico or computational prediction software programs (SpliceSiteFinder, MaxEntScan, NNSPLICE, GeneSplicer, HumanSpliceFinder) predict a greater than 10% difference in splicing; this is not very predictive of pathogenicity. In summary, based on the above information, the clinical significance of this variant cannot be determined with certainty at this time. This variant is classified as a variant of uncertain significance.

Literature cited by the submitters: PubMed 17949294 (cited by 7 submitters); PubMed 25307848 (cited by 5 submitters); PubMed 33130102 (cited by 6 submitters); PubMed 34326862 (cited by Labcorp Genetics (formerly Invitae), Labcorp and Quest Diagnostics Nichols Institute San Juan Capistrano); PubMed 35957908 (cited by Labcorp Genetics (formerly Invitae), Labcorp); PubMed 40738107 (cited by Ambry Genetics); PubMed 38136276 (cited by Quest Diagnostics Nichols Institute San Juan Capistrano); PubMed 33471991 (cited by 5 submitters); PubMed 35264596 (cited by Quest Diagnostics Nichols Institute San Juan Capistrano and Women's Health and Genetics/Laboratory Corporation of America, LabCorp); PubMed 35980532 (cited by 3 submitters); PubMed 26556299 (cited by 3 submitters); PubMed 11051386 (cited by Color Diagnostics, LLC DBA Color Health).